The following is an entry in ClinVar:

NM_001127208.3(TET2):c.4909del (p.Leu1637fs)

Genes: TET2 (tet methylcytosine dioxygenase 2; plus strand), TET2-AS1 (TET2 antisense RNA 1; minus strand). Cytogenetic location: 4q24.
Variant type: Deletion.
Coding change: c.4909del on transcript NM_001127208.3 (MANE Select); coding-DNA position 4909, one base deleted (C; older notation c.4909delC).
Protein change: p.Leu1637fs; shifts the reading frame from leucine 1637.
Molecular consequence: frameshift variant.
Genome position (GRCh38, 1-based): chr4:105,275,419, C deleted; the last of 2 consecutive C bases (chr4:105,275,418-105,275,419); deleting either gives the same sequence. VCF-style (leftmost placement, unchanged base first): chr4-105275417-AC-A. GRCh37 (hg19) VCF-style: chr4-106196574-AC-A.
Other names: short protein forms L1637fs.
Identifiers: ClinVar variation 3619751 (VCV003619751.2).
Genomic context (GRCh38, chr4:105,275,417, plus strand): 5'-ACCCTTACCCTGGGCTTTTGAATCAGAATACCCAATATCCATCATATCAATGCAATGGAA[AC>A]CTATCAGTGGACAACTGCTCCCCATATCTGGGTTCCTATTCTCCCCAGTCTCAGCCGATG-3'

ClinVar aggregate classification (germline): Uncertain significance (1 of 4 stars; one submission).

Submission:

Labcorp Genetics (formerly Invitae), Labcorp
Classification: Uncertain significance. Last evaluated: 2024-03-07. Review status: criteria provided, single submitter. Criteria: Invitae Variant Classification Sherloc (09022015). Collection method: clinical testing. Allele origin: germline.
Comment: This sequence change creates a premature translational stop signal (p.Leu1637Tyrfs*58) in the TET2 gene. While this is not anticipated to result in nonsense mediated decay, it is expected to disrupt the last 366 amino acid(s) of the TET2 protein. This variant is not present in population databases (gnomAD no frequency). This variant has not been reported in the literature in individuals affected with TET2-related conditions. Experimental studies and prediction algorithms are not available or were not evaluated, and the functional significance of this variant is currently unknown. In summary, the available evidence is currently insufficient to determine the role of this variant in disease. Therefore, it has been classified as a Variant of Uncertain Significance.